The following is an entry in ClinVar:

NM_020975.6(RET):c.2753T>C (p.Met918Thr)

Gene: RET (ret proto-oncogene; plus strand). Cytogenetic location: 10q11.21.
Variant type: single nucleotide variant.
Coding change: c.2753T>C on transcript NM_020975.6 (MANE Select); coding-DNA position 2753, T replaced by C.
Protein change: p.Met918Thr; replaces methionine 918 with threonine.
Molecular consequence: missense variant.
Genome position (GRCh38, 1-based): chr10:43,121,968, T>C. VCF-style: chr10-43121968-T-C. GRCh37 (hg19) VCF-style: chr10-43617416-T-C.
Other names: p.M918T:ATG>ACG; c.2753T>C, p.Met918Thr (NM_000323.2, NM_001406743.1, NM_001406744.1 and 4 more transcripts); c.1991T>C, p.Met664Thr (NM_001355216.2); c.2624T>C, p.Met875Thr (NM_001406761.1, NM_001406762.1, NM_001406764.1); c.2618T>C, p.Met873Thr (NM_001406763.1, NM_001406765.1); c.2465T>C, p.Met822Thr (NM_001406766.1, NM_001406767.1, NM_001406770.1); c.2489T>C, p.Met830Thr (NM_001406768.1); c.1856T>C, p.Met619Thr (NM_001406779.1, NM_001406780.1, NM_001406781.1 and 1 more transcripts); and 11 more; short protein forms M918T, M664T, M579T, M676T, M772T, M786T, M875T, M830T.
Identifiers: ClinVar variation 13919 (VCV000013919.77), dbSNP rs74799832, ClinGen allele CA009082.

ClinVar aggregate classification (germline): Pathogenic/Likely pathogenic. Review status: criteria provided, multiple submitters, no conflicts (2 of 4 stars). 48 submissions from 46 submitters: Pathogenic (37); Likely pathogenic (2). 9 of the submissions do not count toward it. Last evaluated 2026-08-01.
ClinVar aggregate classification (somatic clinical impact): Tier I - Strong (1 of 4 stars; one submission).

Conditions:
Pheochromocytoma. Also called: MAX-Related Hereditary Paraganglioma-Pheochromocytoma Syndrome. Identifiers: Orphanet 29072, MedGen C0031511, MONDO:0008233, OMIM 171300, HP:0002666.
Multiple endocrine neoplasia type 2B. Also called: MEN IIB; NEUROMATA, MUCOSAL, WITH ENDOCRINE TUMORS; MEN 2B; Multiple endocrine neoplasia, type 3; Multiple Endocrine Neoplasia Type 2B (MEN2B); MUCOSAL NEUROMA SYNDROME. Identifiers: Orphanet 247709, Orphanet 653, MedGen C0025269, MeSH D018814, MONDO:0008082, OMIM 162300.
Familial medullary thyroid carcinoma (MTC). Also called: Thyroid cancer, familial medullary; MTC, familial; Familial Medullary Thyroid Carcinoma (FMTC). Identifiers: Orphanet 653, Orphanet 99361, MedGen C1833921, MONDO:0007958, OMIM 155240.
Multiple endocrine neoplasia type 2A. Also called: Multiple Endocrine Neoplasia Type 2A (MEN2A); MULTIPLE ENDOCRINE NEOPLASIA, TYPE IIA; PTC SYNDROME; SIPPLE SYNDROME; MEN 2A; MEN-2A syndrome. Identifiers: Orphanet 247698, Orphanet 653, MedGen C0025268, MeSH D018813, MONDO:0008234, OMIM 171400.
Hirschsprung disease, susceptibility to, 1 (HSCR1). Also called: RET-Related Hirschsprung Disease. Identifiers: Orphanet 388, MedGen C3888239, MONDO:0007723, OMIM 142623.
Inherited phaeochromocytoma and paraganglioma excluding NF1.
RET-related disorder. Also called: RET-related disorders; RET-related condition; RET-related disease.
Medullary thyroid carcinoma (MTC). Also called: Medullary thyroid gland carcinoma. Identifiers: Orphanet 1332, MedGen C0238462, MeSH C536914, MONDO:0015277, HP:0002865.
Hereditary cancer-predisposing syndrome. Also called: Neoplastic Syndromes, Hereditary; Tumor predisposition; Hereditary Cancer Syndrome; Hereditary neoplastic syndrome. Identifiers: Orphanet 140162, MedGen C0027672, MeSH D009386, MONDO:0015356.
Multiple endocrine neoplasia, type 2 (MEN2). Identifiers: Orphanet 653, MedGen C4048306, MONDO:0019003. Disease mechanism: gain of function.
Thyroid carcinoma, sporadic medullary. Identifiers: MedGen C1833929.
Joint hypermobility. Also called: Joint hyperflexibility. Identifiers: MedGen C1862377, HP:0001382.
Gingival overgrowth. Also called: Gingival enlargement. Identifiers: MedGen C0376480, MONDO:0002507, HP:0000212.
Hypothyroidism. Identifiers: MedGen C0020676, MONDO:0005420, HP:0000821.
Constipation. Also called: Constipation disorder. Identifiers: MedGen C0009806, MONDO:0002203, HP:0002019.
Tetralogy of Fallot (TOF). Identifiers: Orphanet 3303, MedGen C0039685, MONDO:0008542, OMIM 187500, HP:0001636.
Hypertelorism. Identifiers: MedGen C0020534, OMIM 145400, HP:0000316.
Thick vermilion border. Also called: Full lips. Identifiers: MedGen C1836543, HP:0012471.
Short stature. Identifiers: MedGen C0349588, HP:0004322.

Allele frequency attached by ClinVar (database versions not stated): gnomAD exomes below 0.00001.

Submissions 1 to 8 of 49:

CeGaT Center for Human Genetics Tuebingen
Classification: Pathogenic. Last evaluated: 2026-08-01. Review status: criteria provided, single submitter. Criteria: CeGaT Center For Human Genetics Tuebingen Variant Classification Criteria Version 2. Collection method: clinical testing. Allele origin: germline. Affected: yes. Observed: 1 variant allele.
Comment: RET: PS2:Very Strong, PS4, PM1, PM2, PP3, PS3:Supporting

PreventionGenetics, part of Exact Sciences
Classification: Pathogenic for RET-related condition. Last evaluated: 2026-06-25. Review status: criteria provided, single submitter. Criteria: ACMG Guidelines, 2015. Collection method: clinical testing. Allele origin: germline.
Comment: The RET c.2753T>C variant is predicted to result in the amino acid substitution p.Met918Thr. This variant has previously been reported to be causative for multiple endocrine neoplasia type 2B, medullary thyroid carcinoma, and pheochromocytoma (Carlson et al. 1994. PubMed ID: 7906417; Hedayati et al. 2011. PubMed ID : 21765987; de Cubas et al. 2013. PubMed ID : 23660872). This variant was also shown in vitro to have transforming ability (Pasini et al. 1997. PubMed ID: 9242375; Cosci et al. 2011. PubMed ID: 21810974). This variant is reported in 0.00088% of alleles in individuals of European (Non-Finnish) descent in gnomAD and is interpreted as pathogenic and likely pathogenic in ClinVar (Variation ID: 13919). This variant is interpreted as pathogenic.

Diller/Parad Lab, Dana-Farber/Harvard Cancer Center
Classification: Likely pathogenic for Multiple endocrine neoplasia type 2A. Last evaluated: 2026-05-29. Review status: criteria provided, single submitter. Criteria: ACMG Guidelines, 2015. Collection method: research. Allele origin: germline. Affected: yes. Observed: 4 variant alleles.
Comment: It has been classified as Likely Pathogenic using Richards et al (PMID:25741868) based on the following evidence codes: PM2, PS1, PP3, PP5.

CIViC Knowledgebase, Washington University School of Medicine
Classification: Tier I - Strong for Medullary Thyroid Carcinoma. Assertion type: therapeutic. Clinical significance: sensitivity/response. Last evaluated: 2026-04-16. Review status: criteria provided, single submitter. Criteria: AMP/ASCO/CAP Guidelines, 2017. Collection method: curation. Allele origin: unknown.
Comment: RET M918T occurs in the kinase domain of RET, and is found in both germline and somatic RET mutations in medullary thyroid cancer (civic.EID:12711). M918T induces transformation of cells which are sensitive to treatment by selpercatinib (civic.EID:11867, civic.EID:11876). M918T is the most prevalent RET mutation found in patients enrolled in medullary thyroid cancer trials (civic.EID:8851, civic.EID:12708), and the only RET mutation reported in cancerhotspots V2. Patients with M918T have improved progression free survival when treated with selpercatinib over physician’s choice of vandetanib or cabozantinib (civic.EID:12598). Selpercatinib is approved for use in medullary thyroid cancer patients with RET mutations including M918T over 2 years of age based on the results of phase 1/2 (civic.EID:12056, civic.EID:12708) and LIBRETTO-531 phase 3 trials (civic.EID:12157).

Labcorp Genetics (formerly Invitae), Labcorp
Classification: Pathogenic for Multiple endocrine neoplasia, type 2. Last evaluated: 2026-01-16. Review status: criteria provided, single submitter. Criteria: Invitae Variant Classification Sherloc (09022015). Collection method: clinical testing. Allele origin: germline.
Comment: This sequence change replaces methionine, which is neutral and non-polar, with threonine, which is neutral and polar, at codon 918 of the RET protein (p.Met918Thr). This variant is present in population databases (rs74799832, gnomAD 0.0009%). This missense change has been observed in individual(s) with autosomal dominant multiple endocrine neoplasia type 2 (PMID: 7906417, 8918855, 16715139, 20516206, 27539324). In at least one individual the variant was observed to be de novo. ClinVar contains an entry for this variant (Variation ID: 13919). An algorithm developed to predict the effect of missense changes on protein structure and function (PolyPhen-2) suggests that this variant is likely to be disruptive. Experimental studies have shown that this missense change affects RET function (PMID: 8570194, 9242375, 16715139, 21810974). For these reasons, this variant has been classified as Pathogenic.

NHS Central & South Genomic Laboratory Hub
Classification: Pathogenic for Inherited phaeochromocytoma and paraganglioma excluding NF1. Last evaluated: 2025-10-21. Review status: criteria provided, single submitter. Criteria: ACMG Guidelines, 2015. Collection method: clinical testing. Allele origin: germline. Affected: yes.

Centre of Medical Genetics, University Hospital Muenster
Classification: Pathogenic. Last evaluated: 2025-07-10. Review status: criteria provided, single submitter. Criteria: ACMG Guidelines, 2015. Collection method: clinical testing. Allele origin: unknown. Affected: yes. Observed: 1 variant allele, 1 heterozygote.
Comment: ACMG categories: PS3_mod,PM2_sup,PM5,PP1_strong,PP3,PP4

Ambry Genetics
Classification: Pathogenic for Hereditary cancer-predisposing syndrome. Last evaluated: 2025-04-30. Review status: criteria provided, single submitter. Criteria: Ambry Variant Classification Scheme 2023. Collection method: clinical testing. Allele origin: germline.
Comment: The p.M918T pathogenic mutation (also known as c.2753T>C), located in coding exon 16 of the RET gene, results from a T to C substitution at nucleotide position 2753. The methionine at codon 918 is replaced by threonine, an amino acid with similar properties. This mutation is located in the catalytic core of the tyrosine kinase domain, within a highly conserved region of the RET protein. This mutation was first described in 58 individuals with a clinical diagnosis of multiple endocrine neoplasia type 2B (MEN2B) (Carlson KM et al. Proc. Natl. Acad. Sci. U.S.A. 1994;91(4):1579-83), and has since been well described in numerous other affected individuals (Choi S et al. PLoS Genet. 2012;8(2):e1002420; Hedayati M et al. J Thyroid Res. 2011;2011:264248; Smith V et al. Gut. 1999 Jul;45(1):143-6). In another study, this mutation was described in 95% (75/79) of MEN2B families (Eng C et al. JAMA 1996;276(19):1575-9). Per the revised American Thyroid Associated guidelines, individuals with alterations at codon 918 in the RET gene are at highest risk for MTC with recommended screenings and/or surgical interventions beginning in early childhood (Wells SA et al. Thyroid 2015 Jun; 25(6):567-610). This amino acid position is highly conserved in available vertebrate species. In addition, this alteration is predicted to be deleterious by in silico analysis. Based on the supporting evidence, this alteration is interpreted as a disease-causing mutation.